The following is an entry in ClinVar:

ClinVar aggregate classification (germline): Uncertain significance. Review status: criteria provided, multiple submitters, no conflicts (2 of 4 stars). 2 submissions from 2 submitters: Uncertain significance (2). Last evaluated 2024-10-17.

Conditions:
Neurodegeneration with brain iron accumulation 6 (NBIA6). Also called: COASY protein-associated neurodegeneration. Identifiers: Orphanet 397725, MedGen C4517377, MONDO:0014290, OMIM 615643.

Allele frequency attached by ClinVar (database versions not stated): gnomAD 0.00003; TOPMed 0.00003; 1000 Genomes Project 30x 0.00016; gnomAD exomes 0.00002; ExAC 0.00003; 1000 Genomes Project 0.00020.
gnomAD v4.1: 14 of 1,612,604 alleles (0.00087%); highest among the groups gnomAD compares: Admixed American, 0.01%; no homozygotes.

Submissions (2):

Labcorp Genetics (formerly Invitae), Labcorp
Classification: Uncertain significance for Neurodegeneration with brain iron accumulation 6. Last evaluated: 2024-10-17. Review status: criteria provided, single submitter. Criteria: Invitae Variant Classification Sherloc (09022015). Collection method: clinical testing. Allele origin: germline.
Comment: This sequence change replaces arginine, which is basic and polar, with tryptophan, which is neutral and slightly polar, at codon 346 of the COASY protein (p.Arg346Trp). This variant is present in population databases (rs551629036, gnomAD 0.01%). This variant has not been reported in the literature in individuals affected with COASY-related conditions. ClinVar contains an entry for this variant (Variation ID: 1801108). Invitae Evidence Modeling of protein sequence and biophysical properties (such as structural, functional, and spatial information, amino acid conservation, physicochemical variation, residue mobility, and thermodynamic stability) indicates that this missense variant is not expected to disrupt COASY protein function with a negative predictive value of 80%. In summary, the available evidence is currently insufficient to determine the role of this variant in disease. Therefore, it has been classified as a Variant of Uncertain Significance.

GeneDx
Classification: Uncertain significance. Last evaluated: 2022-05-26. Review status: criteria provided, single submitter. Criteria: GeneDx Variant Classification Process June 2021. Collection method: clinical testing. Allele origin: germline. Affected: yes.
Comment: Not observed at significant frequency in large population cohorts (gnomAD); In silico analysis supports that this missense variant has a deleterious effect on protein structure/function; Has not been previously published as pathogenic or benign to our knowledge

NM_025233.7(COASY):c.1036C>T (p.Arg346Trp)

Gene: COASY (Coenzyme A synthase; plus strand). Cytogenetic location: 17q21.2.
Variant type: single nucleotide variant.
Coding change: c.1036C>T on transcript NM_025233.7 (MANE Select); coding-DNA position 1036, C replaced by T.
Protein change: p.Arg346Trp; replaces arginine 346 with tryptophan.
Molecular consequence: missense variant.
Genome position (GRCh38, 1-based): chr17:42,564,566, C>T. VCF-style: chr17-42564566-C-T. GRCh37 (hg19) VCF-style: chr17-40716584-C-T.
Other names: c.1036C>T, p.Arg346Trp (NM_001042529.3); c.1123C>T, p.Arg375Trp (NM_001042532.4); short protein forms R346W, R375W.
Identifiers: ClinVar variation 1801108 (VCV001801108.6), dbSNP rs551629036, ClinGen allele CA8578168.